The following is an entry in ClinVar:

NM_000374.5(UROD):c.835G>A (p.Val279Met)

Gene: UROD (uroporphyrinogen decarboxylase; plus strand). Cytogenetic location: 1p34.1.
Variant type: single nucleotide variant.
Coding change: c.835G>A on transcript NM_000374.5 (MANE Select); coding-DNA position 835, G replaced by A.
Protein change: p.Val279Met; replaces valine 279 with methionine.
Molecular consequence: missense variant. On other transcripts: non-coding transcript variant (3).
Genome position (GRCh38, 1-based): chr1:45,014,796, G>A. VCF-style: chr1-45014796-G-A. GRCh37 (hg19) VCF-style: chr1-45480468-G-A.
Other names: short protein forms V279M.
Identifiers: ClinVar variation 3720202 (VCV003720202.2).

ClinVar aggregate classification (germline): Likely pathogenic (1 of 4 stars; one submission).

Submission:

Labcorp Genetics (formerly Invitae), Labcorp
Classification: Likely pathogenic. Last evaluated: 2025-01-23. Review status: criteria provided, single submitter. Criteria: Invitae Variant Classification Sherloc (09022015). Collection method: clinical testing. Allele origin: germline.
Comment: This sequence change replaces valine, which is neutral and non-polar, with methionine, which is neutral and non-polar, at codon 279 of the UROD protein (p.Val279Met). This variant is not present in population databases (gnomAD no frequency). This missense change has been observed in individual(s) with porphyria cutanea tarda (PMID: 23545314; internal data). Invitae Evidence Modeling of protein sequence and biophysical properties (such as structural, functional, and spatial information, amino acid conservation, physicochemical variation, residue mobility, and thermodynamic stability) indicates that this missense variant is not expected to disrupt UROD protein function with a negative predictive value of 80%. Experimental studies have shown that this missense change affects UROD function (PMID: 23545314). In summary, the currently available evidence indicates that the variant is pathogenic, but additional data are needed to prove that conclusively. Therefore, this variant has been classified as Likely Pathogenic.

Literature cited by the submitters: PubMed 23545314.